The following is an entry in ClinVar:

NM_005908.4(MANBA):c.818G>A (p.Arg273Lys)

Gene: MANBA (mannosidase beta; minus strand). Cytogenetic location: 4q24.
Variant type: single nucleotide variant.
Coding change: c.818G>A on transcript NM_005908.4 (MANE Select); coding-DNA position 818, G replaced by A.
Protein change: p.Arg273Lys; replaces arginine 273 with lysine.
Molecular consequence: missense variant.
Genome position (GRCh38, 1-based): chr4:102,690,627, C>T on the plus strand (G>A on the coding strand, the complement: MANBA is on the minus strand). VCF-style: chr4-102690627-C-T. GRCh37 (hg19) VCF-style: chr4-103611784-C-T.
Other names: c.818G>A (NM_005908.3); short protein forms R273K.
Identifiers: ClinVar variation 1356433 (VCV001356433.4), dbSNP rs774776210, ClinGen allele CA3027097.

ClinVar aggregate classification (germline): Uncertain significance. Review status: criteria provided, multiple submitters, no conflicts (2 of 4 stars). 2 submissions from 2 submitters: Uncertain significance (2). Last evaluated 2023-12-27.

Conditions:
Inborn genetic diseases. Identifiers: MedGen C0950123, MeSH D030342.
Beta-D-mannosidosis (MANSB). Also called: MANNOSIDOSIS, BETA A, LYSOSOMAL; BETA-MANNOSIDASE DEFICIENCY; LYSOSOMAL BETA-MANNOSIDASE DEFICIENCY; Beta-Mannosidosis. Identifiers: Orphanet 118, MedGen C4048196, MONDO:0009562, OMIM 248510.

Allele frequency attached by ClinVar (database versions not stated): gnomAD 0.00002; ExAC 0.00003; gnomAD exomes below 0.00001 and 0.00002.
gnomAD v4.1: 11 of 1,612,310 alleles (0.00068%); highest among the groups gnomAD compares: Admixed American, 0.015%; no homozygotes.

Submissions (2):

Ambry Genetics
Classification: Uncertain significance for Inborn genetic diseases. Last evaluated: 2023-12-27. Review status: criteria provided, single submitter. Criteria: Ambry Variant Classification Scheme 2023. Collection method: clinical testing. Allele origin: germline.

Labcorp Genetics (formerly Invitae), Labcorp
Classification: Uncertain significance for Beta-D-mannosidosis. Last evaluated: 2022-05-27. Review status: criteria provided, single submitter. Criteria: Invitae Variant Classification Sherloc (09022015). Collection method: clinical testing. Allele origin: germline.
Comment: This sequence change replaces arginine, which is basic and polar, with lysine, which is basic and polar, at codon 273 of the MANBA protein (p.Arg273Lys). This variant is present in population databases (rs774776210, gnomAD 0.01%). This variant has not been reported in the literature in individuals affected with MANBA-related conditions. Algorithms developed to predict the effect of missense changes on protein structure and function output the following: SIFT: "Tolerated"; PolyPhen-2: "Benign"; Align-GVGD: "Class C0". The lysine amino acid residue is found in multiple mammalian species, which suggests that this missense change does not adversely affect protein function. In summary, the available evidence is currently insufficient to determine the role of this variant in disease. Therefore, it has been classified as a Variant of Uncertain Significance.